The following is an entry in ClinVar:

NM_152327.5(AK7):c.1696G>A (p.Asp566Asn)

Gene: AK7 (adenylate kinase 7; plus strand). Cytogenetic location: 14q32.2.
Variant type: single nucleotide variant.
Coding change: c.1696G>A on transcript NM_152327.5 (MANE Select); coding-DNA position 1696, G replaced by A.
Protein change: p.Asp566Asn; replaces aspartic acid 566 with asparagine.
Molecular consequence: missense variant.
Genome position (GRCh38, 1-based): chr14:96,478,605, G>A. VCF-style: chr14-96478605-G-A. GRCh37 (hg19) VCF-style: chr14-96944942-G-A.
Other names: c.1627G>A, p.Asp543Asn (NM_001350888.2, NM_001350890.2); c.1618G>A, p.Asp540Asn (NM_001350891.2); c.1498G>A, p.Asp500Asn (NM_001350892.2); c.1696G>A (NM_152327.2); short protein forms D543N, D566N, D500N, D540N.
Identifiers: ClinVar variation 1516542 (VCV001516542.9), dbSNP rs114440862, ClinGen allele CA7337925.

ClinVar aggregate classification (germline): Uncertain significance. Review status: criteria provided, multiple submitters, no conflicts (2 of 4 stars). 2 submissions from 2 submitters: Uncertain significance (2). Last evaluated 2025-08-20.

Allele frequency attached by ClinVar (database versions not stated): 1000 Genomes Project 30x 0.00016; 1000 Genomes Project 0.00020.
gnomAD v4.1: 10 of 1,614,126 alleles (0.00062%); highest among the groups gnomAD compares: African/African-American, 0.004%; no homozygotes.

Submissions (2):

Ambry Genetics
Classification: Uncertain significance. Last evaluated: 2025-08-20. Review status: criteria provided, single submitter. Criteria: Ambry Variant Classification Scheme 2023. Collection method: clinical testing. Allele origin: germline.

Labcorp Genetics (formerly Invitae), Labcorp
Classification: Uncertain significance. Last evaluated: 2021-04-23. Review status: criteria provided, single submitter. Criteria: Invitae Variant Classification Sherloc (09022015). Collection method: clinical testing. Allele origin: germline.
Comment: In summary, the available evidence is currently insufficient to determine the role of this variant in disease. Therefore, it has been classified as a Variant of Uncertain Significance. Algorithms developed to predict the effect of missense changes on protein structure and function (SIFT, PolyPhen-2, Align-GVGD) all suggest that this variant is likely to be tolerated, but these predictions have not been confirmed by published functional studies and their clinical significance is uncertain. This variant has not been reported in the literature in individuals with AK7-related conditions. This variant is present in population databases (rs114440862, ExAC 0.01%). This sequence change replaces aspartic acid with asparagine at codon 566 of the AK7 protein (p.Asp566Asn). The aspartic acid residue is weakly conserved and there is a small physicochemical difference between aspartic acid and asparagine.